The following is an entry in ClinVar:

NM_005732.4(RAD50):c.3144G>A (p.Met1048Ile)

Gene: RAD50 (RAD50 double strand break repair protein; plus strand). Cytogenetic location: 5q31.1.
Variant type: single nucleotide variant.
Coding change: c.3144G>A on transcript NM_005732.4 (MANE Select); coding-DNA position 3144, G replaced by A.
Protein change: p.Met1048Ile; replaces methionine 1048 with isoleucine.
Molecular consequence: missense variant.
Genome position (GRCh38, 1-based): chr5:132,616,110, G>A. VCF-style: chr5-132616110-G-A. GRCh37 (hg19) VCF-style: chr5-131951802-G-A.
Other names: short protein forms M1048I.
Identifiers: ClinVar variation 3224970 (VCV003224970.1), dbSNP rs2149853015, ClinGen allele CA360963875.

ClinVar aggregate classification (germline): Uncertain significance (1 of 4 stars; one submission).

Conditions:
Hereditary cancer-predisposing syndrome. Also called: Neoplastic Syndromes, Hereditary; Tumor predisposition; Hereditary neoplastic syndrome; Hereditary Cancer Syndrome. Identifiers: Orphanet 140162, MedGen C0027672, MeSH D009386, MONDO:0015356.

Allele frequency attached by ClinVar (database versions not stated): gnomAD exomes below 0.00001.

Submission:

Ambry Genetics
Classification: Uncertain significance for Hereditary cancer-predisposing syndrome. Last evaluated: 2024-01-17. Review status: criteria provided, single submitter. Criteria: Ambry Variant Classification Scheme 2023. Collection method: clinical testing. Allele origin: germline.
Comment: The p.M1048I variant (also known as c.3144G>A), located in coding exon 20 of the RAD50 gene, results from a G to A substitution at nucleotide position 3144. The methionine at codon 1048 is replaced by isoleucine, an amino acid with highly similar properties. This amino acid position is conserved. In addition, the in silico prediction for this alteration is inconclusive. Based on the available evidence, the clinical significance of this alteration remains unclear.